The following is an entry in ClinVar:

NM_001127222.2(CACNA1A):c.3026C>G (p.Ala1009Gly)

Gene: CACNA1A (calcium voltage-gated channel subunit alpha1 A; minus strand). Cytogenetic location: 19p13.13.
Variant type: single nucleotide variant.
Coding change: c.3026C>G on transcript NM_001127222.2 (MANE Select); coding-DNA position 3026, C replaced by G.
Protein change: p.Ala1009Gly; replaces alanine 1009 with glycine.
Molecular consequence: missense variant.
Genome position (GRCh38, 1-based): chr19:13,298,607, G>C on the plus strand (C>G on the coding strand, the complement: CACNA1A is on the minus strand). VCF-style: chr19-13298607-G-C. GRCh37 (hg19) VCF-style: chr19-13409421-G-C.
Other names: c.3038C>G, p.Ala1013Gly (NM_000068.4, NM_023035.3); c.3029C>G, p.Ala1010Gly (NM_001127221.2, NM_001174080.2); short protein forms A1009G, A1010G, A1013G.
Identifiers: ClinVar variation 3754161 (VCV003754161.2).

ClinVar aggregate classification (germline): Uncertain significance (1 of 4 stars; one submission).

Conditions:
Episodic ataxia type 2 (EA2). Also called: ATAXIA, EPISODIC, WITH NYSTAGMUS; ATAXIA, FAMILIAL PAROXYSMAL; ACETAZOLAMIDE-RESPONSIVE HEREDITARY PAROXYSMAL CEREBELLAR ATAXIA; CEREBELLAR ATAXIA, PAROXYSMAL, ACETAZOLAMIDE-RESPONSIVE; CEREBELLOPATHY, HEREDITARY PAROXYSMAL; EPISODIC ATAXIA, NYSTAGMUS-ASSOCIATED. Identifiers: Orphanet 97, MedGen C1720416, MONDO:0007163, OMIM 108500.
Developmental and epileptic encephalopathy, 42 (DEE42A). Also called: Epileptic encephalopathy, early infantile, 42; DEVELOPMENTAL AND EPILEPTIC ENCEPHALOPATHY 42A; EPILEPTIC ENCEPHALOPATHY, EARLY INFANTILE, 42A. Identifiers: MedGen C4310716, MONDO:0014917, OMIM 617106.

Submission:

Labcorp Genetics (formerly Invitae), Labcorp
Classification: Uncertain significance for Developmental and epileptic encephalopathy, 42; Episodic ataxia type 2. Last evaluated: 2024-12-12. Review status: criteria provided, single submitter. Criteria: Invitae Variant Classification Sherloc (09022015). Collection method: clinical testing. Allele origin: germline.
Comment: This sequence change replaces alanine, which is neutral and non-polar, with glycine, which is neutral and non-polar, at codon 1010 of the CACNA1A protein (p.Ala1010Gly). This variant is not present in population databases (gnomAD no frequency). This variant has not been reported in the literature in individuals affected with CACNA1A-related conditions. Invitae Evidence Modeling of protein sequence and biophysical properties (such as structural, functional, and spatial information, amino acid conservation, physicochemical variation, residue mobility, and thermodynamic stability) indicates that this missense variant is not expected to disrupt CACNA1A protein function with a negative predictive value of 95%. In summary, the available evidence is currently insufficient to determine the role of this variant in disease. Therefore, it has been classified as a Variant of Uncertain Significance.